The following is an entry in ClinVar:

NM_018062.4(FANCL):c.268del (p.Leu90fs)

Gene: FANCL (FA complementation group L; minus strand). Cytogenetic location: 2p16.1.
Variant type: Deletion.
Coding change: c.268del on transcript NM_018062.4 (MANE Select); coding-DNA position 268, one base deleted (C; older notation c.268delC).
Protein change: p.Leu90fs; shifts the reading frame from leucine 90.
Molecular consequence: frameshift variant.
Genome position (GRCh38, 1-based): chr2:58,226,733, G deleted on the plus strand (C on the coding strand, the reverse complement: FANCL is on the minus strand). VCF-style (leftmost placement, unchanged base first): chr2-58226732-AG-A. GRCh37 (hg19) VCF-style: chr2-58453867-AG-A.
Other names: c.268delC, p.Leu90Phefs (NM_001114636.2, NM_018062.3); c.268del, p.Leu90fs (NM_001374615.1, NM_001410792.1); short protein forms L90fs.
Identifiers: ClinVar variation 209076 (VCV000209076.12), dbSNP rs869320684, ClinGen allele CA358850.

ClinVar aggregate classification (germline): Pathogenic. Review status: criteria provided, single submitter (1 of 4 stars). 3 submissions from 3 submitters: Pathogenic (1). 2 of the submissions do not count toward it. Last evaluated 2021-02-25.

Conditions:
VATER association. Also called: Vacterl association; VACTERL/vater association. Identifiers: Orphanet 887, MedGen C4225671, MONDO:0008642, OMIM 192350.
Fanconi anemia (FA). Also called: Fanconi's anemia. Identifiers: Orphanet 84, MedGen C0015625, MeSH D005199, MONDO:0019391.
Fanconi anemia complementation group L (FANCL). Also called: FANCL-Related Fanconi Anemia. Identifiers: Orphanet 84, MedGen C3469528, MONDO:0013566, OMIM 614083.

Submissions (3):

Labcorp Genetics (formerly Invitae), Labcorp
Classification: Pathogenic for Fanconi anemia. Last evaluated: 2021-02-25. Review status: criteria provided, single submitter. Criteria: Invitae Variant Classification Sherloc (09022015). Collection method: clinical testing. Allele origin: germline.
Comment: For these reasons, this variant has been classified as Pathogenic. This variant has been observed in individual(s) with Fanconi anemia (PMID: 25754594). ClinVar contains an entry for this variant (Variation ID: 209076). This variant is not present in population databases (ExAC no frequency). This sequence change creates a premature translational stop signal (p.Leu90Phefs*6) in the FANCL gene. It is expected to result in an absent or disrupted protein product. Loss-of-function variants in FANCL are known to be pathogenic (PMID: 19405097, 23613520).

Leiden Open Variation Database
Classification: Pathogenic for VATER association. Last evaluated: 2015-05-01. Review status: no assertion criteria provided. Collection method: curation. Allele origin: germline. Affected: yes. Not counted in ClinVar's aggregate classification.
Comment: Curator: Arleen D. Auerbach. Submitter to LOVD: Annalisa Vetro.

OMIM
Classification: Pathogenic for FANCONI ANEMIA, COMPLEMENTATION GROUP L. Last evaluated: 2015-05-01. Review status: no assertion criteria provided. Collection method: literature only. Allele origin: germline. Not counted in ClinVar's aggregate classification.

Literature cited by the submitters: PubMed 25754594 (cited by 3 submitters); PubMed 19405097 (cited by Labcorp Genetics (formerly Invitae), Labcorp); PubMed 23613520 (cited by Labcorp Genetics (formerly Invitae), Labcorp).